The following is an entry in ClinVar:

NM_003070.5(SMARCA2):c.310C>T (p.Pro104Ser)

Gene: SMARCA2 (SWI/SNF related BAF chromatin remodeling complex subunit ATPase 2; plus strand). Cytogenetic location: 9p24.3.
Variant type: single nucleotide variant.
Coding change: c.310C>T on transcript NM_003070.5 (MANE Select); coding-DNA position 310, C replaced by T.
Protein change: p.Pro104Ser; replaces proline 104 with serine.
Molecular consequence: missense variant.
Genome position (GRCh38, 1-based): chr9:2,033,036, C>T. VCF-style: chr9-2033036-C-T. GRCh37 (hg19) VCF-style: chr9-2033036-C-T.
Other names: c.310C>T, p.Pro104Ser (NM_001289396.2, NM_001289397.2, NM_139045.4); short protein forms P104S.
Identifiers: ClinVar variation 2853503 (VCV002853503.3), dbSNP rs768751465, ClinGen allele CA372779625.

ClinVar aggregate classification (germline): Uncertain significance (1 of 4 stars; one submission).

Submission:

Labcorp Genetics (formerly Invitae), Labcorp
Classification: Uncertain significance. Last evaluated: 2023-10-09. Review status: criteria provided, single submitter. Criteria: Invitae Variant Classification Sherloc (09022015). Collection method: clinical testing. Allele origin: germline.
Comment: This sequence change replaces proline, which is neutral and non-polar, with serine, which is neutral and polar, at codon 104 of the SMARCA2 protein (p.Pro104Ser). This variant is not present in population databases (gnomAD no frequency). This variant has not been reported in the literature in individuals affected with SMARCA2-related conditions. Advanced modeling of protein sequence and biophysical properties (such as structural, functional, and spatial information, amino acid conservation, physicochemical variation, residue mobility, and thermodynamic stability) performed at Invitae indicates that this missense variant is not expected to disrupt SMARCA2 protein function. In summary, the available evidence is currently insufficient to determine the role of this variant in disease. Therefore, it has been classified as a Variant of Uncertain Significance.